The following is an entry in ClinVar:

NM_001379200.1(TBX1):c.1408_1416del (p.Pro470_Ala472del)

Gene: TBX1 (T-box transcription factor 1; plus strand). Cytogenetic location: 22q11.21.
Variant type: Deletion.
Coding change: c.1408_1416del on transcript NM_001379200.1 (MANE Select); coding-DNA positions 1408 to 1416, 9 bases deleted (CCAGCCGCC; older notation c.1408_1416delCCAGCCGCC).
Protein change: p.Pro470_Ala472del.
Molecular consequence: inframe deletion. On other transcripts: intron variant (2).
Genome position (GRCh38, 1-based): chr22:19,766,760-19,766,768, CCAGCCGCC deleted. VCF-style (leftmost placement, unchanged base first): chr22-19766759-TCCAGCCGCC-T. GRCh37 (hg19) VCF-style: chr22-19754282-TCCAGCCGCC-T.
Other names: c.1381_1389del, p.Pro461_Ala463del (NM_080647.1); c.1009+758_1009+766del (NM_005992.1, NM_080646.2); c.1381_1389del9 (NM_080647.1).
Identifiers: ClinVar variation 2908033 (VCV002908033.4), dbSNP rs759569338, ClinGen allele CA10102742.

ClinVar aggregate classification (germline): Uncertain significance. Review status: criteria provided, multiple submitters, no conflicts (2 of 4 stars). 2 submissions from 2 submitters: Uncertain significance (2). Last evaluated 2026-02-25.

Conditions:
DiGeorge syndrome. Also called: Catch22; THIRD AND FOURTH PHARYNGEAL POUCH SYNDROME. Identifiers: Orphanet 567, MedGen C0012236, MONDO:0008564, OMIM 188400.
TBX1-related disorder. Also called: TBX1-related condition; TBX1-Related Disorders.

Allele frequency attached by ClinVar (database versions not stated): gnomAD exomes below 0.00001; ExAC 0.00002; TOPMed 0.00002; gnomAD 0.00003.

Submissions (2):

PreventionGenetics, part of Exact Sciences
Classification: Uncertain significance for TBX1-related condition. Last evaluated: 2026-02-25. Review status: criteria provided, single submitter. Criteria: ACMG Guidelines, 2015. Collection method: clinical testing. Allele origin: germline.
Comment: The TBX1 c.1381_1389del9 variant is predicted to result in an in-frame deletion (p.Pro461_Ala463del). To our knowledge, this variant has not been reported in the literature. This variant is reported in 0.0080% of alleles in individuals of African descent in gnomAD. At this time, the clinical significance of this variant is uncertain due to the absence of conclusive functional and genetic evidence.

Labcorp Genetics (formerly Invitae), Labcorp
Classification: Uncertain significance for DiGeorge syndrome. Last evaluated: 2023-11-04. Review status: criteria provided, single submitter. Criteria: Invitae Variant Classification Sherloc (09022015). Collection method: clinical testing. Allele origin: germline.
Comment: This variant, c.1381_1389del, results in the deletion of 3 amino acid(s) of the TBX1 protein (p.Pro461_Ala463del), but otherwise preserves the integrity of the reading frame. This variant is present in population databases (rs759569338, gnomAD 0.008%). This variant has not been reported in the literature in individuals affected with TBX1-related conditions. Experimental studies and prediction algorithms are not available or were not evaluated, and the functional significance of this variant is currently unknown. In summary, the available evidence is currently insufficient to determine the role of this variant in disease. Therefore, it has been classified as a Variant of Uncertain Significance.